The following is an entry in ClinVar:

ClinVar aggregate classification (germline): Uncertain significance (1 of 4 stars; one submission).

Submission:

Labcorp Genetics (formerly Invitae), Labcorp
Classification: Uncertain significance. Last evaluated: 2022-07-21. Review status: criteria provided, single submitter. Criteria: Invitae Variant Classification Sherloc (09022015). Collection method: clinical testing. Allele origin: germline.
Comment: In summary, the available evidence is currently insufficient to determine the role of this variant in disease. Therefore, it has been classified as a Variant of Uncertain Significance. Algorithms developed to predict the effect of missense changes on protein structure and function are either unavailable or do not agree on the potential impact of this missense change (SIFT: "Not Available"; PolyPhen-2: "Benign"; Align-GVGD: "Not Available"). This variant has not been reported in the literature in individuals affected with TRAPPC9-related conditions. This variant is not present in population databases (gnomAD no frequency). This sequence change replaces isoleucine, which is neutral and non-polar, with methionine, which is neutral and non-polar, at codon 222 of the TRAPPC9 protein (p.Ile222Met).

NM_001160372.4(TRAPPC9):c.372C>G (p.Ile124Met)

Gene: TRAPPC9 (trafficking protein particle complex subunit 9; minus strand). Cytogenetic location: 8q24.3.
Variant type: single nucleotide variant.
Coding change: c.372C>G on transcript NM_001160372.4 (MANE Select); coding-DNA position 372, C replaced by G.
Protein change: p.Ile124Met; replaces isoleucine 124 with methionine.
Molecular consequence: missense variant. On other transcripts: non-coding transcript variant (1).
Genome position (GRCh38, 1-based): chr8:140,451,002, G>C on the plus strand (C>G on the coding strand, the complement: TRAPPC9 is on the minus strand). VCF-style: chr8-140451002-G-C. GRCh37 (hg19) VCF-style: chr8-141461101-G-C.
Other names: c.372C>G, p.Ile124Met (NM_001321646.2, NM_001374682.1, NM_001374683.1 and 2 more transcripts); short protein forms I124M.
Identifiers: ClinVar variation 1896421 (VCV001896421.5), dbSNP rs377446017, ClinGen allele CA372318417.
Genomic context (GRCh38, chr8:140,451,002, plus strand): 5'-CACCGTCTGGCAGTCCTCGTAGTTGGGGTAGAAAGCCACGTCGGTGCGCGGCTGCTCCAC[G>C]ATCTCCCCCTGCAGCCCGAAGACAAAGAGCCGGGAGTCATACAGTGTGGAGCCGTAGATC-3'
Protein context (NP_001153844.1, residues 114-134): RLFVFGLQGE[Ile124Met]VEQPRTDVAF